The following is an entry in ClinVar:

ClinVar aggregate classification (germline): Uncertain significance. Review status: criteria provided, multiple submitters, no conflicts (2 of 4 stars). 2 submissions from 2 submitters: Uncertain significance (2). Last evaluated 2026-01-17.

Conditions:
Van Maldergem syndrome 1 (VMLDS1). Also called: Van Maldergem syndrome 1 (VMLDS1). Identifiers: Orphanet 314679, MedGen C4551950, MONDO:0011070, OMIM 601390.

Submissions (2):

Clinical Genomics Laboratory, Washington University in St. Louis
Classification: Uncertain significance for Van Maldergem syndrome 1. Last evaluated: 2026-01-17. Review status: criteria provided, single submitter. Criteria: ACMG Guidelines, 2015. Collection method: clinical testing. Allele origin: germline.
Comment: A DCHS1 c.5387G>C (p.Gly1796Ala) variant was identified at a near heterozygous allelic fraction of 47.6%, a frequency which may be consistent withgermline origin. This variant, to our knowledge, has not been reported in the medical literature. It is absent from the general population (gnomAD v4.1.0), indicating it is not a common variant. Computational predictors suggest that the variant does not impact DCHS1 function. Due to limited information, and based on ACMG/AMP guidelines for variant interpretation (Richards S et al., PMID: 25741868), the clinical significance of this variant is uncertain at this time.

Labcorp Genetics (formerly Invitae), Labcorp
Classification: Uncertain significance. Last evaluated: 2025-03-26. Review status: criteria provided, single submitter. Criteria: Invitae Variant Classification Sherloc (09022015). Collection method: clinical testing. Allele origin: germline.
Comment: This sequence change replaces glycine, which is neutral and non-polar, with alanine, which is neutral and non-polar, at codon 1796 of the DCHS1 protein (p.Gly1796Ala). This variant is not present in population databases (gnomAD no frequency). This variant has not been reported in the literature in individuals affected with DCHS1-related conditions. Invitae Evidence Modeling of protein sequence and biophysical properties (such as structural, functional, and spatial information, amino acid conservation, physicochemical variation, residue mobility, and thermodynamic stability) indicates that this missense variant is not expected to disrupt DCHS1 protein function with a negative predictive value of 80%. In summary, the available evidence is currently insufficient to determine the role of this variant in disease. Therefore, it has been classified as a Variant of Uncertain Significance.

NM_003737.4(DCHS1):c.5387G>C (p.Gly1796Ala)

Gene: DCHS1 (dachsous cadherin-related 1; minus strand). Cytogenetic location: 11p15.4.
Variant type: single nucleotide variant.
Coding change: c.5387G>C on transcript NM_003737.4 (MANE Select); coding-DNA position 5387, G replaced by C.
Protein change: p.Gly1796Ala; replaces glycine 1796 with alanine.
Molecular consequence: missense variant.
Genome position (GRCh38, 1-based): chr11:6,627,652, C>G on the plus strand (G>C on the coding strand, the complement: DCHS1 is on the minus strand). VCF-style: chr11-6627652-C-G. GRCh37 (hg19) VCF-style: chr11-6648883-C-G.
Other names: short protein forms G1796A.
Identifiers: ClinVar variation 4767114 (VCV004767114.2).